The following is an entry in ClinVar:

ClinVar aggregate classification (germline): Uncertain significance (1 of 4 stars; one submission).

Submission:

Labcorp Genetics (formerly Invitae), Labcorp
Classification: Uncertain significance. Last evaluated: 2021-07-10. Review status: criteria provided, single submitter. Criteria: Invitae Variant Classification Sherloc (09022015). Collection method: clinical testing. Allele origin: germline.
Comment: In summary, the available evidence is currently insufficient to determine the role of this variant in disease. Therefore, it has been classified as a Variant of Uncertain Significance. Algorithms developed to predict the effect of missense changes on protein structure and function are either unavailable or do not agree on the potential impact of this missense change (SIFT: "Tolerated"; PolyPhen-2: "Probably Damaging"; Align-GVGD: "Class C0"). This variant has not been reported in the literature in individuals affected with A2ML1-related conditions. This variant is not present in population databases (ExAC no frequency). This sequence change replaces cysteine with glycine at codon 819 of the A2ML1 protein (p.Cys819Gly). The cysteine residue is highly conserved and there is a large physicochemical difference between cysteine and glycine.

NM_144670.6(A2ML1):c.2455T>G (p.Cys819Gly)

Gene: A2ML1 (alpha-2-macroglobulin like 1; plus strand). Cytogenetic location: 12p13.31.
Variant type: single nucleotide variant.
Coding change: c.2455T>G on transcript NM_144670.6 (MANE Select); coding-DNA position 2455, T replaced by G.
Protein change: p.Cys819Gly; replaces cysteine 819 with glycine.
Molecular consequence: missense variant.
Genome position (GRCh38, 1-based): chr12:8,852,004, T>G. VCF-style: chr12-8852004-T-G. GRCh37 (hg19) VCF-style: chr12-9004600-T-G.
Other names: c.982T>G, p.Cys328Gly (NM_001282424.3); short protein forms C328G, C819G.
Identifiers: ClinVar variation 1494568 (VCV001494568.8), dbSNP rs1161488755, ClinGen allele CA383833513.